The following is an entry in ClinVar:

ClinVar aggregate classification (germline): Uncertain significance (1 of 4 stars; one submission).

Conditions:
Familial meningioma. Also called: Meningioma, familial, susceptibility to. Identifiers: Orphanet 263662, MedGen C3551915, MONDO:0011789, OMIM 607174.

Submission:

Labcorp Genetics (formerly Invitae), Labcorp
Classification: Uncertain significance for Familial meningioma. Last evaluated: 2025-04-18. Review status: criteria provided, single submitter. Criteria: Invitae Variant Classification Sherloc (09022015). Collection method: clinical testing. Allele origin: germline.
Comment: This sequence change replaces methionine, which is neutral and non-polar, with leucine, which is neutral and non-polar, at codon 282 of the SMARCE1 protein (p.Met282Leu). This variant is not present in population databases (gnomAD no frequency). This variant has not been reported in the literature in individuals affected with SMARCE1-related conditions. Invitae Evidence Modeling of protein sequence and biophysical properties (such as structural, functional, and spatial information, amino acid conservation, physicochemical variation, residue mobility, and thermodynamic stability) indicates that this missense variant is not expected to disrupt SMARCE1 protein function with a negative predictive value of 80%. In summary, the available evidence is currently insufficient to determine the role of this variant in disease. Therefore, it has been classified as a Variant of Uncertain Significance.

NM_003079.5(SMARCE1):c.844A>T (p.Met282Leu)

Gene: SMARCE1 (SWI/SNF related BAF chromatin remodeling complex subunit E1; minus strand). Cytogenetic location: 17q21.2.
Variant type: single nucleotide variant.
Coding change: c.844A>T on transcript NM_003079.5 (MANE Select); coding-DNA position 844, A replaced by T.
Protein change: p.Met282Leu; replaces methionine 282 with leucine.
Molecular consequence: missense variant.
Genome position (GRCh38, 1-based): chr17:40,630,897, T>A on the plus strand (A>T on the coding strand, the complement: SMARCE1 is on the minus strand). VCF-style: chr17-40630897-T-A. GRCh37 (hg19) VCF-style: chr17-38787149-T-A.
Other names: short protein forms M282L.
Identifiers: ClinVar variation 4738230 (VCV004738230.1).